The following is an entry in ClinVar:

NM_020791.4(TAOK1):c.467A>G (p.Asn156Ser)

Gene: TAOK1 (TAO kinase 1; plus strand). Cytogenetic location: 17q11.2.
Variant type: single nucleotide variant.
Coding change: c.467A>G on transcript NM_020791.4 (MANE Select); coding-DNA position 467, A replaced by G.
Protein change: p.Asn156Ser; replaces asparagine 156 with serine.
Molecular consequence: missense variant.
Genome position (GRCh38, 1-based): chr17:29,480,385, A>G. VCF-style: chr17-29480385-A-G. GRCh37 (hg19) VCF-style: chr17-27807403-A-G.
Other names: c.467A>G, p.Asn156Ser (NM_025142.1); short protein forms N156S.
Identifiers: ClinVar variation 3365476 (VCV003365476.3).

ClinVar aggregate classification (germline): Uncertain significance. Review status: criteria provided, multiple submitters, no conflicts (2 of 4 stars). 2 submissions from 2 submitters: Uncertain significance (2). Last evaluated 2025-04-08.

Conditions:
Inborn genetic diseases. Identifiers: MedGen C0950123, MeSH D030342.

Submissions (2):

Ambry Genetics
Classification: Uncertain significance for Inborn genetic diseases. Last evaluated: 2025-04-08. Review status: criteria provided, single submitter. Criteria: Ambry Variant Classification Scheme 2023. Collection method: clinical testing. Allele origin: germline.
Comment: The c.467A>G (p.N156S) alteration is located in exon 7 (coding exon 6) of the TAOK1 gene. This alteration results from an A to G substitution at nucleotide position 467, causing the asparagine (N) at amino acid position 156 to be replaced by a serine (S). This variant was not reported in population-based cohorts in the Genome Aggregation Database (gnomAD). This amino acid position is highly conserved in available vertebrate species. This missense alteration is located in a region that has a low rate of benign missense variation (Lek, 2016; Firth, 2009). The in silico prediction for this alteration is inconclusive. Based on insufficient or conflicting evidence, the clinical significance of this alteration remains unclear.

GeneDx
Classification: Uncertain significance. Last evaluated: 2023-12-13. Review status: criteria provided, single submitter. Criteria: GeneDx Variant Classification Process June 2021. Collection method: clinical testing. Allele origin: germline. Affected: yes.
Comment: Not observed at significant frequency in large population cohorts (gnomAD); In silico analysis supports that this missense variant has a deleterious effect on protein structure/function; Has not been previously published as pathogenic or benign to our knowledge